The following is an entry in ClinVar:

ClinVar aggregate classification (germline): Uncertain significance (1 of 4 stars; one submission).

Conditions:
Familial hypocalciuric hypercalcemia (FHH). Also called: Familial benign hypercalcemia. Identifiers: Orphanet 405, MedGen C1809471, MONDO:0018458.
Autosomal dominant hypocalcemia 1 (HYPOC1). Also called: HYPOCALCEMIA, FAMILIAL. Identifiers: MedGen C3715128, MONDO:0011013, OMIM 601198.

Allele frequency attached by ClinVar (database versions not stated): gnomAD exomes below 0.00001.
gnomAD v4.1: 2 of 1,613,498 alleles (0.00012%); highest among the groups gnomAD compares: Admixed American, 0.0017%; no homozygotes.

Submission:

Labcorp Genetics (formerly Invitae), Labcorp
Classification: Uncertain significance for Familial hypocalciuric hypercalcemia; Autosomal dominant hypocalcemia 1. Last evaluated: 2022-09-15. Review status: criteria provided, single submitter. Criteria: Invitae Variant Classification Sherloc (09022015). Collection method: clinical testing. Allele origin: germline.
Comment: This variant has not been reported in the literature in individuals affected with CASR-related conditions. Variants that disrupt the consensus splice site are a relatively common cause of aberrant splicing (PMID: 17576681, 9536098). Algorithms developed to predict the effect of sequence changes on RNA splicing suggest that this variant is not likely to affect RNA splicing. In summary, the available evidence is currently insufficient to determine the role of this variant in disease. Therefore, it has been classified as a Variant of Uncertain Significance. This variant is present in population databases (no rsID available, gnomAD 0.003%). This sequence change falls in intron 2 of the CASR gene. It does not directly change the encoded amino acid sequence of the CASR protein. It affects a nucleotide within the consensus splice site.

Literature cited by the submitters: PubMed 17576681; PubMed 9536098.

NM_000388.4(CASR):c.186-3C>T

Gene: CASR (calcium sensing receptor; plus strand). Cytogenetic location: 3q21.1.
Variant type: single nucleotide variant.
Coding change: c.186-3C>T on transcript NM_000388.4 (MANE Select); 3 bases into the intron before coding-DNA position 186, C replaced by T.
Molecular consequence: intron variant.
Genome position (GRCh38, 1-based): chr3:122,257,078, C>T. VCF-style: chr3-122257078-C-T. GRCh37 (hg19) VCF-style: chr3-121975925-C-T.
Other names: c.186-3C>T (NM_001178065.2).
Identifiers: ClinVar variation 2191828 (VCV002191828.4), dbSNP rs1309403871, ClinGen allele CA545964947.